The following is an entry in ClinVar:

ClinVar aggregate classification (germline): Uncertain significance. Review status: criteria provided, multiple submitters, no conflicts (2 of 4 stars). 8 submissions from 8 submitters: Uncertain significance (8). Last evaluated 2025-12-12.

Conditions:
Hereditary cancer-predisposing syndrome. Also called: Tumor predisposition; Hereditary Cancer Syndrome; Neoplastic Syndromes, Hereditary; Hereditary neoplastic syndrome. Identifiers: Orphanet 140162, MedGen C0027672, MeSH D009386, MONDO:0015356.
Aplastic anemia. Identifiers: Orphanet 182040, Orphanet 88, MedGen C0002874, MONDO:0015909, OMIM 609135, HP:0001915.
Microcephaly, normal intelligence and immunodeficiency (NBS). Also called: BERLIN BREAKAGE SYNDROME; Nijmegen breakage syndrome; Microcephaly with normal intelligence immunodeficiency and lymphoreticular malignancies; Nonsyndromal microcephaly autosomal recessive with normal intelligence; Seemanova syndrome 2; Ataxia telangiectasia variant V1. Identifiers: Orphanet 647, MedGen C0398791, MONDO:0009623, OMIM 251260.

Allele frequency attached by ClinVar (database versions not stated): gnomAD exomes below 0.00001.
gnomAD v4.1: 3 of 1,613,890 alleles (0.00019%); highest among the groups gnomAD compares: East Asian, 0.0022%; no homozygotes.

Submissions (8):

Ambry Genetics
Classification: Uncertain significance for Hereditary cancer-predisposing syndrome. Last evaluated: 2025-12-12. Review status: criteria provided, single submitter. Criteria: Ambry Variant Classification Scheme 2023. Collection method: clinical testing. Allele origin: germline.
Comment: The p.T374I variant (also known as c.1121C>T), located in coding exon 9 of the NBN gene, results from a C to T substitution at nucleotide position 1121. The threonine at codon 374 is replaced by isoleucine, an amino acid with similar properties. This amino acid position is well conserved in available vertebrate species. In addition, this alteration is predicted to be tolerated by in silico analysis. Since supporting evidence is limited at this time, the clinical significance of this alteration remains unclear.

Blueprint Genetics
Classification: Uncertain significance. Last evaluated: 2024-10-23. Review status: criteria provided, single submitter. Criteria: ACMG Guidelines, 2015. Collection method: clinical testing. Allele origin: germline.

Labcorp Genetics (formerly Invitae), Labcorp
Classification: Uncertain significance for Microcephaly, normal intelligence and immunodeficiency. Last evaluated: 2023-11-17. Review status: criteria provided, single submitter. Criteria: Invitae Variant Classification Sherloc (09022015). Collection method: clinical testing. Allele origin: germline.
Comment: This sequence change replaces threonine, which is neutral and polar, with isoleucine, which is neutral and non-polar, at codon 374 of the NBN protein (p.Thr374Ile). This variant is present in population databases (no rsID available, gnomAD 0.006%). This variant has not been reported in the literature in individuals affected with NBN-related conditions. ClinVar contains an entry for this variant (Variation ID: 480017). An algorithm developed to predict the effect of missense changes on protein structure and function (PolyPhen-2) suggests that this variant is likely to be disruptive. In summary, the available evidence is currently insufficient to determine the role of this variant in disease. Therefore, it has been classified as a Variant of Uncertain Significance.

Baylor Genetics
Classification: Uncertain significance for Aplastic anemia. Last evaluated: 2023-09-05. Review status: criteria provided, single submitter. Criteria: ACMG Guidelines, 2015. Collection method: clinical testing. Allele origin: unknown.

Quest Diagnostics Nichols Institute San Juan Capistrano
Classification: Uncertain significance. Last evaluated: 2022-12-28. Review status: criteria provided, single submitter. Criteria: Quest Diagnostics criteria. Collection method: clinical testing. Allele origin: unknown.
Comment: The frequency of this variant in the general population, 0.000004 (1/251340 chromosomes), is uninformative in assessment of its pathogenicity. In the published literature, the variant has been reported in individuals with breast cancer and healthy individuals (PMID: 33471991 (2021), see also LOVD). Analysis of this variant using bioinformatics tools for the prediction of the effect of amino acid changes on protein structure and function yielded conflicting predictions that this variant is benign or damaging. Based on the available information, we are unable to determine the clinical significance of this variant.

Sema4
Classification: Uncertain significance for Hereditary cancer-predisposing syndrome. Last evaluated: 2022-02-16. Review status: criteria provided, single submitter. Criteria: Sema4 Curation Guidelines. Collection method: curation. Allele origin: germline.
Comment: The NBN c.1121C>T (p.T374I) variant has been reported in a large case-control study in 1/60466 breast cancer cases and in 1/53461 controls (PMID: 33471991). It was observed in 1/18390 chromosomes of the East Asian subpopulation in the large and broad cohorts of the Genome Aggregation Database (PMID: 32461654). The variant has been reported in ClinVar (Variation ID: 480017). Functional studies have not been performed, and in silico predictions of the variant's effect on protein function are inconclusive. The evidence is insufficient to meet ACMG/AMP criteria for classifying the variant as benign or pathogenic. Thus, the clinical significance of this variant is currently uncertain.

Genome-Nilou Lab
Classification: Uncertain significance for Microcephaly, normal intelligence and immunodeficiency. Last evaluated: 2021-11-07. Review status: criteria provided, single submitter. Criteria: ACMG Guidelines, 2015. Collection method: clinical testing. Allele origin: germline. Affected: no.

GeneDx
Classification: Uncertain significance. Last evaluated: 2019-08-22. Review status: criteria provided, single submitter. Criteria: GeneDx Variant Classification Process June 2021. Collection method: clinical testing. Allele origin: germline. Affected: yes.
Comment: Not observed at a significant frequency in large population cohorts (Lek 2016); In silico analysis, which includes protein predictors and evolutionary conservation, supports a deleterious effect; Has not been previously published as pathogenic or benign to our knowledge

Literature cited by the submitters: PubMed 33471991 (cited by Quest Diagnostics Nichols Institute San Juan Capistrano and Sema4).

NM_002485.5(NBN):c.1121C>T (p.Thr374Ile)

Gene: NBN (nibrin; minus strand). Cytogenetic location: 8q21.3.
Variant type: single nucleotide variant.
Coding change: c.1121C>T on transcript NM_002485.5 (MANE Select); coding-DNA position 1121, C replaced by T.
Protein change: p.Thr374Ile; replaces threonine 374 with isoleucine.
Molecular consequence: missense variant.
Genome position (GRCh38, 1-based): chr8:89,958,728, G>A on the plus strand (C>T on the coding strand, the complement: NBN is on the minus strand). VCF-style: chr8-89958728-G-A. GRCh37 (hg19) VCF-style: chr8-90970956-G-A.
Other names: c.875C>T, p.Thr292Ile (NM_001024688.3); short protein forms T374I, T292I.
Identifiers: ClinVar variation 480017 (VCV000480017.25), dbSNP rs1174990974, ClinGen allele CA371656563.